The following is an entry in ClinVar:

ClinVar aggregate classification (germline): Uncertain significance (1 of 4 stars; one submission).

Submission:

GeneDx
Classification: Uncertain significance. Last evaluated: 2024-09-11. Review status: criteria provided, single submitter. Criteria: GeneDx Variant Classification Process June 2021. Collection method: clinical testing. Allele origin: germline. Affected: yes.
Comment: Not observed at significant frequency in large population cohorts (gnomAD); In silico analysis supports that this missense variant has a deleterious effect on protein structure/function; Has not been previously published as pathogenic or benign to our knowledge

NM_014991.6(WDFY3):c.7918C>T (p.Leu2640Phe)

Gene: WDFY3 (WD repeat and FYVE domain containing 3; minus strand). Cytogenetic location: 4q21.23.
Variant type: single nucleotide variant.
Coding change: c.7918C>T on transcript NM_014991.6 (MANE Select); coding-DNA position 7918, C replaced by T.
Protein change: p.Leu2640Phe; replaces leucine 2640 with phenylalanine.
Molecular consequence: missense variant.
Genome position (GRCh38, 1-based): chr4:84,715,341, G>A on the plus strand (C>T on the coding strand, the complement: WDFY3 is on the minus strand). VCF-style: chr4-84715341-G-A. GRCh37 (hg19) VCF-style: chr4-85636494-G-A.
Other names: short protein forms L2640F.
Identifiers: ClinVar variation 3770096 (VCV003770096.1).